The following continues an entry in ClinVar:

NM_000059.4(BRCA2):c.8009C>T (p.Ser2670Leu)

Gene: BRCA2. ClinVar aggregate classification (germline): Pathogenic/Likely pathogenic. Pathogenic (11); Likely pathogenic (9).

Submissions 7 to 17 of 27:

Quest Diagnostics Nichols Institute San Juan Capistrano
Classification: Pathogenic. Last evaluated: 2025-02-05. Review status: criteria provided, single submitter. Criteria: Quest Diagnostics criteria. Collection method: clinical testing. Allele origin: unknown.
Comment: The BRCA2 c.8009C>T (p.Ser2670Leu) variant has been reported in the published literature in individuals with breast and/or ovarian cancer (PMID: 36367610 (2023), 34717758 (2021), 33471991 (2021), see also LOVD), 34413315 (2021), 31742824 (2020), 32318955 (2020), 31843900 (2019), 30254663 (2018), 28724667 (2017)). Experimental studies indicate that this variant has a damaging effect on the expression and function of the BRCA2 protein in vitro (PMID: 31843900 (2019), 29394989 (2018), 28339459 (2017), 19043619 (2008)). The frequency of this variant in the general population (Genome Aggregation Database) is consistent with pathogenicity. This variant is statistically more frequent in affected individuals than in the general population and/or healthy controls. Analysis of this variant using bioinformatics tools for the prediction of the effect of amino acid changes on protein structure and function yielded predictions that this variant is damaging. Based on the available information, this variant is classified as pathogenic.

Molecular Pathology, Peter Maccallum Cancer Centre
Classification: Pathogenic for Breast-ovarian cancer, familial, susceptibility to, 2. Last evaluated: 2024-05-30. Review status: criteria provided, single submitter. Criteria: ACMG Guidelines, 2015. Collection method: clinical testing. Allele origin: germline. Inheritance: Autosomal dominant inheritance.

Revvity Omics, Revvity
Classification: Likely pathogenic. Last evaluated: 2024-05-14. Review status: criteria provided, single submitter. Criteria: ACMG Guidelines, 2015. Collection method: clinical testing. Allele origin: germline.

Color Diagnostics, LLC DBA Color Health
Classification: Pathogenic for Hereditary cancer-predisposing syndrome. Last evaluated: 2024-04-08. Review status: criteria provided, single submitter. Criteria: ACMG Guidelines, 2015. Collection method: clinical testing. Allele origin: germline.
Comment: This missense variant replaces serine with leucine at codon 2670 of the BRCA2 protein. Computational prediction suggests that this variant may have deleterious impact on protein structure and function. Functional studies reported this variant results in the production of BRCA2 protein that is severely impaired in homology-directed repair assays (PMID: 19043619, 29394989). An RNA study found the variant resulted in splicing defects predicted to cause an absent or non-functional protein product (PMID: 31843900). This variant has been observed in multiple individuals affected with breast cancer (PMID: 22895246, 25639900, 26681312, 31843900), pancreatic cancer (PMID: 29395620) and ovarian cancer (PMID: 33850850). This variant also has been observed in multiple families affected with breast and/or ovarian cancer (PMID: 15131399, 24249303, 30254663) and it is reported to co-segregate with disease in two families with likelihood ratio of 17.8658 (PMID: 31131967). This variant is also seen in an individual with a pathogenic BRCA2 covariant affected with Fanconi anemia and has a family history of breast and other solid-tumor cancers (PMID: 24735155). This variant has not been identified in the general population by the Genome Aggregation Database (gnomAD). Loss of BRCA2 function is a known mechanism of disease. Based on the available evidence, this variant is classified as Pathogenic.

Baylor Genetics
Classification: Likely pathogenic for Familial cancer of breast. Last evaluated: 2024-02-23. Review status: criteria provided, single submitter. Criteria: ACMG Guidelines, 2015. Collection method: clinical testing. Allele origin: unknown.

Ambry Genetics
Classification: Pathogenic for Hereditary cancer-predisposing syndrome. Last evaluated: 2023-04-06. Review status: criteria provided, single submitter. Criteria: Ambry Variant Classification Scheme 2023. Collection method: clinical testing. Allele origin: germline.
Comment: The p.S2670L pathogenic mutation (also known as c.8009C>T), located in coding exon 17 of the BRCA2 gene, results from a C to T substitution at nucleotide position 8009. The serine at codon 2670 is replaced by leucine, an amino acid with dissimilar properties. This alteration has been reported in multiple individuals with clinical histories suggestive of HBOC (Lubinski J et al. Fam. Cancer. 2004;3(1):1-10; Jimenez AM et al. Clin. Adv. Hematol. Oncol. 2012 Jun;10:402-4; Lara K et al. Biol. Res. 2012;45(2):117-30; Lynce F et al. Breast Cancer Res. Treat. 2015 Aug;153:201-9; Pal T et al. Cancer. 2015 Dec;121:4173-80). This alteration has been identified with multiple pathogenic BRCA2 alterations in multiple families with Fanconi Anemia (Rosenthal ET et al. Clin. Genet. 2015 Dec;88(6):533-41; Trejo Bittar HE et al. Pediatr. Dev. Pathol. 2014 Apr;17:297-301). This variant was found to be functionally defective in a homology-directed repair assay (Karchin R et al. Cancer Inform. 2008 Apr;6:203-16; Guidugli L et al. Am. J. Hum. Genet. 2018 Jan; Hart SN et al. Genet. Med., 2019 01;21:71-80). This alteration was shown to result in a minor amount of exon 17 skipping (Fraile-Bethencourt E et al. PLoS Genet. 2017 Mar;13(3):e1006691). Of note, this alteration is also designated as 8237C>T in published literature. This amino acid position is well conserved in available vertebrate species. In addition, the in silico prediction for this alteration is inconclusive. Based on the majority of available evidence to date, this alteration is interpreted as a disease-causing mutation. However, because this variant is identified in one or more patients with Fanconi Anemia it may be hypomorphic and thus, carriers of this variant and their families may present with reduced risks, and not with the typical clinical characteristics of a high-risk pathogenic BRCA2 alteration. As risk estimates are unknown at this time, clinical correlation is advised.

Blueprint Genetics
Classification: Likely pathogenic for BRCA2-related disorders. Last evaluated: 2023-01-13. Review status: criteria provided, single submitter. Criteria: ACMG Guidelines, 2015. Collection method: clinical testing. Allele origin: germline. Affected: yes. Observed: 1 variant allele.

Mendelics
Classification: Pathogenic for Familial cancer of breast. Last evaluated: 2022-05-04. Review status: criteria provided, single submitter. Criteria: Mendelics Assertion Criteria 2019. Collection method: clinical testing. Allele origin: germline.

Fulgent Genetics
Classification: Pathogenic for Familial cancer of breast; Medulloblastoma; Familial prostate cancer; Wilms tumor 1; Fanconi anemia complementation group D1; Breast-ovarian cancer, familial, susceptibility to, 2; Glioma susceptibility 3; Pancreatic cancer, susceptibility to, 2. Last evaluated: 2021-12-14. Review status: criteria provided, single submitter. Criteria: ACMG Guidelines, 2015. Collection method: clinical testing. Allele origin: unknown.

Institute for Clinical Genetics, University Hospital TU Dresden, University Hospital TU Dresden
Classification: Likely pathogenic. Last evaluated: 2021-11-03. Review status: criteria provided, single submitter. Criteria: ACMG Guidelines, 2015. Collection method: clinical testing. Allele origin: germline.

Women's Health and Genetics/Laboratory Corporation of America, LabCorp
Classification: Pathogenic for Hereditary breast and ovarian cancer syndrome. Last evaluated: 2020-07-06. Review status: criteria provided, single submitter. Criteria: LabCorp Variant Classification Summary - May 2015. Collection method: clinical testing. Allele origin: germline.
Comment: Variant summary: BRCA2 c.8009C>T (p.Ser2670Leu) results in a non-conservative amino acid change located in the DSS1 interaction domain of the encoded protein sequence. Five of five in-silico tools predict a damaging effect of the variant on protein function. The variant was absent in 251148 control chromosomes. c.8009C>T has been reported in the literature in multiple individuals affected with Hereditary/Familial Breast And Ovarian Cancer and at-least two individuals with Fanconi Anemia in whom a co-occurring BRCA2 variant in trans was identified (example, Lubinski_2004, Lara_2012, Chenevix-Trench_2006, Hondow_2011, Nakamura_2015, Jimnez_2012, Lynce_2015, Machakova_2019, Rosenthal_2015, Shao_2020, Susswein_2016, Zuntini_2018, Trejo Bittar_2014). These data indicate that the variant allele was transmitted much more often than the reference allele to affected individuals within families and is therefore likely to be associated with disease. The cases with other co-occurring pathogenic variants include, BRCA2 c.9699_9702delTATG, p.Cys3233_Met3234?fs (p.Cys3233fs) and BRCA2 c.767insA (variant not reported in other databases) respectively in two patients with Fanconi Anemia (Rosenthal_2015 and Trejo Bittar_2014); and BRCA1 c.212+3A>G (UMD database). At least three independent publications report experimental evidence evaluating an impact on protein function. The most pronounced variant effect results in loss of homology directed DNA repair (HDR) capability (Hart_2019, Guidugli_2018, Karchin_2008). Loss of heterozygosity (LOH) of the variant allele was observed in at-least one of two tumors examined, while no LOH was observed in the second tumor (Chenevix-Trench_2006). To our knowledge, this finding has not been independently reproduced and the authors speculated that the loss of the wild-type allele is less common for some pathogenic missense variants that act as dominant-negative mutations. Therefore, this evidence is not weighted in favor of a neutral impact of this variant in-vivo. Two recent publications, one reporting the fifth Critical Assessment of Genome Interpretation (CAGI) and another reporting a multifactorial analysis based classification, both support a "likely pathogenic" outcome for this variant (Padilla_2019, Parsons_2019). Eight clinical diagnostic laboratories have submitted clinical-significance assessments for this variant to ClinVar after 2014 without evidence for independent evaluation. All laboratories classified the variant as pathogenic (n=2)/likely pathogenic (n=6). Based on the evidence outlined above, the variant was classified as pathogenic.